The following is an entry in ClinVar:

NM_003906.5(MCM3AP):c.4570del (p.Val1524fs)

Genes: MCM3AP (minichromosome maintenance complex component 3 associated protein; minus strand), MCM3AP-AS1 (MCM3AP antisense RNA 1; plus strand). Cytogenetic location: 21q22.3.
Variant type: Deletion.
Coding change: c.4570del on transcript NM_003906.5 (MANE Select); coding-DNA position 4570, one base deleted (G; older notation c.4570delG).
Protein change: p.Val1524fs; shifts the reading frame from valine 1524.
Molecular consequence: frameshift variant.
Genome position (GRCh38, 1-based): chr21:46,246,384, C deleted on the plus strand (G on the coding strand, the reverse complement: MCM3AP is on the minus strand); the first of 2 consecutive C bases (chr21:46,246,384-46,246,385); deleting either gives the same sequence. VCF-style (leftmost placement, unchanged base first): chr21-46246383-AC-A. GRCh37 (hg19) VCF-style: chr21-47666297-AC-A.
Other names: short protein forms V1524fs.
Identifiers: ClinVar variation 2119864 (VCV002119864.4), dbSNP rs2517325512, ClinGen allele CA2580098940.

ClinVar aggregate classification (germline): Pathogenic (1 of 4 stars; one submission).

Submission:

Labcorp Genetics (formerly Invitae), Labcorp
Classification: Pathogenic. Last evaluated: 2022-03-31. Review status: criteria provided, single submitter. Criteria: Invitae Variant Classification Sherloc (09022015). Collection method: clinical testing. Allele origin: germline.
Comment: For these reasons, this variant has been classified as Pathogenic. This variant has not been reported in the literature in individuals affected with MCM3AP-related conditions. This variant is not present in population databases (gnomAD no frequency). This sequence change creates a premature translational stop signal (p.Val1524Phefs*5) in the MCM3AP gene. It is expected to result in an absent or disrupted protein product. Loss-of-function variants in MCM3AP are known to be pathogenic (PMID: 28633435).

Literature cited by the submitters: PubMed 28633435.